The following is an entry in ClinVar:

NM_020223.4(FAM20C):c.604T>G (p.Trp202Gly)

Gene: FAM20C (FAM20C golgi associated secretory pathway kinase; plus strand). Cytogenetic location: 7p22.3.
Variant type: single nucleotide variant.
Coding change: c.604T>G on transcript NM_020223.4 (MANE Select); coding-DNA position 604, T replaced by G.
Protein change: p.Trp202Gly; replaces tryptophan 202 with glycine.
Molecular consequence: missense variant.
Genome position (GRCh38, 1-based): chr7:193,803, T>G. VCF-style: chr7-193803-T-G. GRCh37 (hg19) VCF-style: chr7-193803-T-G.
Other names: c.604T>G (NM_020223.2); short protein forms W202G.
Identifiers: ClinVar variation 193425 (VCV000193425.7), dbSNP rs794726946, ClinGen allele CA238953.

ClinVar aggregate classification (germline): Uncertain significance. Review status: criteria provided, multiple submitters, no conflicts (2 of 4 stars). 3 submissions from 3 submitters: Uncertain significance (3). Last evaluated 2025-06-18.

Conditions:
Inborn genetic diseases. Identifiers: MedGen C0950123, MeSH D030342.

Allele frequency attached by ClinVar (database versions not stated): TOPMed 0.00001.
gnomAD v4.1: 13 of 1,555,330 alleles (0.00084%); highest among the groups gnomAD compares: African/African-American, 0.0014%; no homozygotes.

Submissions (3):

Ambry Genetics
Classification: Uncertain significance for Inborn genetic diseases. Last evaluated: 2025-06-18. Review status: criteria provided, single submitter. Criteria: Ambry Variant Classification Scheme 2023. Collection method: clinical testing. Allele origin: germline.

Labcorp Genetics (formerly Invitae), Labcorp
Classification: Uncertain significance. Last evaluated: 2022-01-19. Review status: criteria provided, single submitter. Criteria: Invitae Variant Classification Sherloc (09022015). Collection method: clinical testing. Allele origin: germline.
Comment: This sequence change replaces tryptophan, which is neutral and slightly polar, with glycine, which is neutral and non-polar, at codon 202 of the FAM20C protein (p.Trp202Gly). This variant is not present in population databases (gnomAD no frequency). This variant has not been reported in the literature in individuals affected with FAM20C-related conditions. ClinVar contains an entry for this variant (Variation ID: 193425). Algorithms developed to predict the effect of missense changes on protein structure and function (SIFT, PolyPhen-2, Align-GVGD) all suggest that this variant is likely to be tolerated. In summary, the available evidence is currently insufficient to determine the role of this variant in disease. Therefore, it has been classified as a Variant of Uncertain Significance.

Eurofins Ntd Llc (ga)
Classification: Uncertain significance. Last evaluated: 2015-04-09. Review status: criteria provided, single submitter. Criteria: EGL Classification Definitions 2015. Collection method: clinical testing. Allele origin: germline. Observed: 1 variant allele, 1 heterozygote.